The following is an entry in ClinVar:

NM_000260.4(MYO7A):c.6509C>T (p.Thr2170Ile)

Gene: MYO7A (myosin VIIA; plus strand). Cytogenetic location: 11q13.5.
Variant type: single nucleotide variant.
Coding change: c.6509C>T on transcript NM_000260.4 (MANE Select); coding-DNA position 6509, C replaced by T.
Protein change: p.Thr2170Ile; replaces threonine 2170 with isoleucine.
Molecular consequence: missense variant.
Genome position (GRCh38, 1-based): chr11:77,213,930, C>T. VCF-style: chr11-77213930-C-T. GRCh37 (hg19) VCF-style: chr11-76924975-C-T.
Other names: c.6389C>T, p.Thr2130Ile (NM_001127180.2); c.6362C>T, p.Thr2121Ile (NM_001369365.1); short protein forms T2170I, T2121I, T2130I.
Identifiers: ClinVar variation 432663 (VCV000432663.19), dbSNP rs544709413, ClinGen allele CA6199098.

ClinVar aggregate classification (germline): Conflicting classifications of pathogenicity. Review status: criteria provided, conflicting classifications (1 of 4 stars). 8 submissions from 6 submitters: Uncertain significance (5); Likely benign (2). 1 of the submissions does not count toward it. Last evaluated 2026-01-25.

Conditions:
MYO7A-related disorder. Also called: MYO7A-related disorders.
Usher syndrome type 1 (USH1). Also called: RETINITIS PIGMENTOSA AND CONGENITAL DEAFNESS. Identifiers: Orphanet 231169, Orphanet 886, MedGen C1568247, MONDO:0010168, OMIM 276900.
Usher syndrome type 1B (USH1B). Also called: Usher syndrome type IB. Identifiers: MedGen C1848638, MONDO:0700087.
Autosomal recessive nonsyndromic hearing loss 2. Also called: DEAFNESS, AUTOSOMAL RECESSIVE 2; NEUROSENSORY NONSYNDROMIC RECESSIVE DEAFNESS 2. Identifiers: Orphanet 90636, MedGen C1838701, MONDO:0010807, OMIM 600060.
Autosomal dominant nonsyndromic hearing loss 11. Identifiers: Orphanet 90635, MedGen C1832475, MONDO:0011032, OMIM 601317.

Allele frequency attached by ClinVar (database versions not stated): gnomAD below 0.00001 and 0.00010; TOPMed 0.00002; gnomAD exomes 0.00015 and 0.00026; ExAC 0.00029; 1000 Genomes Project 30x 0.00047; 1000 Genomes Project 0.00060.
gnomAD v4.1: 229 of 1,614,090 alleles (0.014%); highest among the groups gnomAD compares: South Asian, 0.23%; 1 homozygote.

Submissions (8):

Labcorp Genetics (formerly Invitae), Labcorp
Classification: Likely benign. Last evaluated: 2026-01-25. Review status: criteria provided, single submitter. Criteria: Invitae Variant Classification Sherloc (09022015). Collection method: clinical testing. Allele origin: germline.

PreventionGenetics, part of Exact Sciences
Classification: Likely benign for MYO7A-related condition. Last evaluated: 2024-11-04. Review status: criteria provided, single submitter. Criteria: ACMG Guidelines, 2015. Collection method: clinical testing. Allele origin: germline.
Comment: This variant is classified as likely benign based on ACMG/AMP sequence variant interpretation guidelines (Richards et al. 2015 PMID: 25741868, with internal and published modifications).

Blueprint Genetics
Classification: Uncertain significance. Last evaluated: 2024-09-04. Review status: criteria provided, single submitter. Criteria: ACMG Guidelines, 2015. Collection method: clinical testing. Allele origin: germline.

GeneDx
Classification: Uncertain significance. Last evaluated: 2021-03-24. Review status: criteria provided, single submitter. Criteria: GeneDx Variant Classification Process June 2021. Collection method: clinical testing. Allele origin: germline. Affected: yes.
Comment: In silico analysis supports that this missense variant has a deleterious effect on protein structure/function; Has been previously reported as likely not pathogenic in the literature (Le Quesne et al., 2012); This variant is associated with the following publications: (PMID: 22135276)

Illumina Laboratory Services, Illumina
Classification: Uncertain significance for Autosomal recessive nonsyndromic hearing loss 2. Last evaluated: 2017-04-27. Review status: criteria provided, single submitter. Criteria: ICSL Variant Classification Criteria 13 December 2019. Collection method: clinical testing. Allele origin: germline.

Illumina Laboratory Services, Illumina
Classification: Uncertain significance for Autosomal dominant nonsyndromic hearing loss 11. Last evaluated: 2017-04-27. Review status: criteria provided, single submitter. Criteria: ICSL Variant Classification Criteria 13 December 2019. Collection method: clinical testing. Allele origin: germline.

Illumina Laboratory Services, Illumina
Classification: Uncertain significance for Usher syndrome type 1. Last evaluated: 2017-04-27. Review status: criteria provided, single submitter. Criteria: ICSL Variant Classification Criteria 13 December 2019. Collection method: clinical testing. Allele origin: germline.
Comment: This variant was observed as part of a predisposition screen in an ostensibly healthy population. A literature search was performed for the gene, cDNA change, and amino acid change (where applicable). Publications were found based on this search. However, the evidence from the literature, in combination with allele frequency data from public databases where available, was not sufficient to rule this variant in or out of causing disease. Therefore, this variant is classified as a variant of unknown significance.

Natera, Inc.
Classification: Uncertain significance for Usher syndrome type 1B. Last evaluated: 2020-09-16. Review status: no assertion criteria provided. Collection method: clinical testing. Allele origin: germline. Not counted in ClinVar's aggregate classification.

Literature cited by the submitters: PubMed 22135276 (cited by Illumina Laboratory Services, Illumina).